The following is an entry in ClinVar:

ClinVar aggregate classification (germline): Uncertain significance. Review status: criteria provided, multiple submitters, no conflicts (2 of 4 stars). 3 submissions from 3 submitters: Uncertain significance (3). Last evaluated 2024-10-08.

Conditions:
Inborn genetic diseases. Identifiers: MedGen C0950123, MeSH D030342.
Congenital glucose-galactose malabsorption (GGM). Also called: MONOSACCHARIDE MALABSORPTION; DIARRHEA 16. Identifiers: Orphanet 35710, MedGen C0268186, MONDO:0011731, OMIM 606824.

Allele frequency attached by ClinVar (database versions not stated): gnomAD 0.00002.
gnomAD v4.1: 6 of 1,614,148 alleles (0.00037%); highest among the groups gnomAD compares: African/African-American, 0.004%; no homozygotes.

Submissions (3):

Ambry Genetics
Classification: Uncertain significance for Inborn genetic diseases. Last evaluated: 2024-10-08. Review status: criteria provided, single submitter. Criteria: Ambry Variant Classification Scheme 2023. Collection method: clinical testing. Allele origin: germline.

Fulgent Genetics
Classification: Uncertain significance for Congenital glucose-galactose malabsorption. Last evaluated: 2024-01-20. Review status: criteria provided, single submitter. Criteria: ACMG Guidelines, 2015. Collection method: clinical testing. Allele origin: germline.

Labcorp Genetics (formerly Invitae), Labcorp
Classification: Uncertain significance for Congenital glucose-galactose malabsorption. Last evaluated: 2022-05-24. Review status: criteria provided, single submitter. Criteria: Invitae Variant Classification Sherloc (09022015). Collection method: clinical testing. Allele origin: germline.
Comment: This sequence change replaces methionine, which is neutral and non-polar, with valine, which is neutral and non-polar, at codon 233 of the SLC5A1 protein (p.Met233Val). This variant is present in population databases (rs200026740, gnomAD 0.008%). This variant has not been reported in the literature in individuals affected with SLC5A1-related conditions. Algorithms developed to predict the effect of missense changes on protein structure and function output the following: SIFT: "Tolerated"; PolyPhen-2: "Benign"; Align-GVGD: "Class C0". The valine amino acid residue is found in multiple mammalian species, which suggests that this missense change does not adversely affect protein function. In summary, the available evidence is currently insufficient to determine the role of this variant in disease. Therefore, it has been classified as a Variant of Uncertain Significance.

NM_000343.4(SLC5A1):c.697A>G (p.Met233Val)

Gene: SLC5A1 (solute carrier family 5 member 1; plus strand). Cytogenetic location: 22q12.3.
Variant type: single nucleotide variant.
Coding change: c.697A>G on transcript NM_000343.4 (MANE Select); coding-DNA position 697, A replaced by G.
Protein change: p.Met233Val; replaces methionine 233 with valine.
Molecular consequence: missense variant.
Genome position (GRCh38, 1-based): chr22:32,084,471, A>G. VCF-style: chr22-32084471-A-G. GRCh37 (hg19) VCF-style: chr22-32480458-A-G.
Other names: c.697A>G (NM_000343.3); c.316A>G, p.Met106Val (NM_001256314.2); short protein forms M106V, M233V.
Identifiers: ClinVar variation 2053809 (VCV002053809.6), dbSNP rs200026740, ClinGen allele CA323375597.